The following is an entry in ClinVar:

ClinVar aggregate classification (germline): Conflicting classifications of pathogenicity. Review status: criteria provided, conflicting classifications (1 of 4 stars). 5 submissions from 5 submitters: Uncertain significance (2); Likely benign (3). Last evaluated 2026-09-01.

Conditions:
Microcephaly 5, primary, autosomal recessive (MCPH5). Also called: ASPM Primary Microcephaly. Identifiers: Orphanet 2512, MedGen C1837501, MONDO:0012106, OMIM 608716.

Allele frequency attached by ClinVar (database versions not stated): gnomAD exomes 0.00008 and 0.00013; ExAC 0.00012; gnomAD 0.00013 and 0.00016; TOPMed 0.00027.

Submissions (5):

CeGaT Center for Human Genetics Tuebingen
Classification: Likely benign. Last evaluated: 2026-09-01. Review status: criteria provided, single submitter. Criteria: CeGaT Center For Human Genetics Tuebingen Variant Classification Criteria Version 2. Collection method: clinical testing. Allele origin: germline. Affected: yes. Observed: 1 variant allele.
Comment: ASPM: BP4, BP7

Labcorp Genetics (formerly Invitae), Labcorp
Classification: Likely benign. Last evaluated: 2025-12-29. Review status: criteria provided, single submitter. Criteria: Invitae Variant Classification Sherloc (09022015). Collection method: clinical testing. Allele origin: germline.

Blueprint Genetics
Classification: Likely benign. Last evaluated: 2024-10-23. Review status: criteria provided, single submitter. Criteria: ACMG Guidelines, 2015. Collection method: clinical testing. Allele origin: germline.

Illumina Laboratory Services, Illumina
Classification: Uncertain significance for Microcephaly 5, primary, autosomal recessive. Last evaluated: 2018-01-13. Review status: criteria provided, single submitter. Criteria: ICSL Variant Classification Criteria 13 December 2019. Collection method: clinical testing. Allele origin: germline.

Genetic Services Laboratory, University of Chicago
Classification: Uncertain significance for Microcephaly 5, primary, autosomal recessive. Last evaluated: 2014-03-19. Review status: criteria provided, single submitter. Criteria: ACMG Guidelines, 2007. Collection method: clinical testing. Allele origin: germline. Inheritance: Autosomal recessive inheritance.

NM_018136.5(ASPM):c.5061A>G (p.Ser1687=)

Gene: ASPM (assembly factor for spindle microtubules; minus strand). Cytogenetic location: 1q31.3.
Variant type: single nucleotide variant.
Coding change: c.5061A>G on transcript NM_018136.5 (MANE Select); coding-DNA position 5061, A replaced by G.
Protein change: p.Ser1687=; no amino-acid change (serine 1687 retained).
Molecular consequence: synonymous variant. On other transcripts: intron variant (1).
Genome position (GRCh38, 1-based): chr1:197,104,190, T>C on the plus strand (A>G on the coding strand, the complement: ASPM is on the minus strand). VCF-style: chr1-197104190-T-C. GRCh37 (hg19) VCF-style: chr1-197073320-T-C.
Other names: c.4066-8026A>G (NM_001206846.2).
Identifiers: ClinVar variation 157826 (VCV000157826.19), dbSNP rs587783246, ClinGen allele CA271049.